The following is an entry in ClinVar:

NM_031229.4(RBCK1):c.459A>G (p.Glu153=)

Gene: RBCK1 (RANBP2-type and C3HC4-type zinc finger containing 1; plus strand). Cytogenetic location: 20p13.
Variant type: single nucleotide variant.
Coding change: c.459A>G on transcript NM_031229.4 (MANE Select); coding-DNA position 459, A replaced by G.
Protein change: p.Glu153=; no amino-acid change (glutamic acid 153 retained).
Molecular consequence: synonymous variant. On other transcripts: missense variant (2), non-coding transcript variant (1).
Genome position (GRCh38, 1-based): chr20:417,929, A>G. VCF-style: chr20-417929-A-G. GRCh37 (hg19) VCF-style: chr20-398573-A-G.
Other names: c.110A>G, p.Lys37Arg (NM_001323956.2, NM_001323958.2); c.510A>G, p.Glu170= (NM_001410770.1); c.333A>G, p.Glu111= (NM_006462.6); short protein forms K37R.
Identifiers: ClinVar variation 2069599 (VCV002069599.2), dbSNP rs1160570236, ClinGen allele CA407951068.

ClinVar aggregate classification (germline): Uncertain significance (1 of 4 stars; one submission).

Conditions:
Polyglucosan body myopathy type 1 (PGBM1). Also called: POLYGLUCOSAN BODY MYOPATHY WITHOUT IMMUNODEFICIENCY; Polyglucosan body myopathy 1 with or without immunodeficiency. Identifiers: Orphanet 329173, Orphanet 397937, MedGen C4014605, MONDO:0014389, OMIM 615895.

Allele frequency attached by ClinVar (database versions not stated): gnomAD exomes below 0.00001; TOPMed below 0.00001; gnomAD 0.00001.

Submission:

Labcorp Genetics (formerly Invitae), Labcorp
Classification: Uncertain significance for Polyglucosan body myopathy type 1. Last evaluated: 2025-06-09. Review status: criteria provided, single submitter. Criteria: Invitae Variant Classification Sherloc (09022015). Collection method: clinical testing. Allele origin: germline.
Comment: This sequence change affects codon 153 of the RBCK1 mRNA. It is a 'silent' change, meaning that it does not change the encoded amino acid sequence of the RBCK1 protein. It affects a nucleotide within the consensus splice site. This variant is not present in population databases (gnomAD no frequency). This variant has not been reported in the literature in individuals affected with RBCK1-related conditions. ClinVar contains an entry for this variant (Variation ID: 2069599). Algorithms developed to predict the effect of sequence changes on RNA splicing suggest that this variant is not likely to affect RNA splicing. In summary, the available evidence is currently insufficient to determine the role of this variant in disease. Therefore, it has been classified as a Variant of Uncertain Significance.